The following is an entry in ClinVar:

ClinVar aggregate classification (germline): Likely benign (1 of 4 stars; one submission).

Allele frequency attached by ClinVar (database versions not stated): gnomAD exomes 0.00001.
gnomAD v4.1: 12 of 1,614,142 alleles (0.00074%); highest among the groups gnomAD compares: Admixed American, 0.0017%; no homozygotes.

Submission:

CeGaT Center for Human Genetics Tuebingen
Classification: Likely benign. Last evaluated: 2023-03-01. Review status: criteria provided, single submitter. Criteria: CeGaT Center For Human Genetics Tuebingen Variant Classification Criteria Version 2. Collection method: clinical testing. Allele origin: germline. Affected: yes. Observed: 1 variant allele.
Comment: NOP56: BP4, BP7

NM_006392.4(NOP56):c.1380G>A (p.Ala460=)

Gene: NOP56 (NOP56 ribonucleoprotein; plus strand). Cytogenetic location: 20p13.
Variant type: single nucleotide variant.
Coding change: c.1380G>A on transcript NM_006392.4 (MANE Select); coding-DNA position 1380, G replaced by A.
Protein change: p.Ala460=; no amino-acid change (alanine 460 retained).
Molecular consequence: synonymous variant. On other transcripts: non-coding transcript variant (2).
Genome position (GRCh38, 1-based): chr20:2,657,179, G>A. VCF-style: chr20-2657179-G-A. GRCh37 (hg19) VCF-style: chr20-2637825-G-A.
Identifiers: ClinVar variation 2652152 (VCV002652152.24), dbSNP rs1313735458, ClinGen allele CA509549963.